The following is an entry in ClinVar:

ClinVar aggregate classification (germline): Uncertain significance (1 of 4 stars; one submission).

Conditions:
Spondyloepiphyseal dysplasia with congenital joint dislocations (SEDCJD). Also called: Chondrodysplasia with Congenital Joint Dislocations, CHST3-Related. Identifiers: Orphanet 263463, MedGen C1837657, MONDO:0007738, OMIM 143095.

Allele frequency attached by ClinVar (database versions not stated): TOPMed below 0.00001; gnomAD 0.00002; gnomAD exomes 0.00004; ExAC 0.00005.
gnomAD v4.1: 58 of 1,592,416 alleles (0.0036%); highest among the groups gnomAD compares: South Asian, 0.061%; 1 homozygote.

Submission:

Labcorp Genetics (formerly Invitae), Labcorp
Classification: Uncertain significance for Spondyloepiphyseal dysplasia with congenital joint dislocations. Last evaluated: 2025-08-13. Review status: criteria provided, single submitter. Criteria: Invitae Variant Classification Sherloc (09022015). Collection method: clinical testing. Allele origin: germline.
Comment: This sequence change replaces valine, which is neutral and non-polar, with isoleucine, which is neutral and non-polar, at codon 34 of the CHST3 protein (p.Val34Ile). This variant is present in population databases (rs752248101, gnomAD 0.04%). This variant has not been reported in the literature in individuals affected with CHST3-related conditions. ClinVar contains an entry for this variant (Variation ID: 2189372). Invitae Evidence Modeling of protein sequence and biophysical properties (such as structural, functional, and spatial information, amino acid conservation, physicochemical variation, residue mobility, and thermodynamic stability) indicates that this missense variant is not expected to disrupt CHST3 protein function with a negative predictive value of 95%. In summary, the available evidence is currently insufficient to determine the role of this variant in disease. Therefore, it has been classified as a Variant of Uncertain Significance.

NM_004273.5(CHST3):c.100G>A (p.Val34Ile)

Gene: CHST3 (carbohydrate sulfotransferase 3; plus strand). Cytogenetic location: 10q22.1.
Variant type: single nucleotide variant.
Coding change: c.100G>A on transcript NM_004273.5 (MANE Select); coding-DNA position 100, G replaced by A.
Protein change: p.Val34Ile; replaces valine 34 with isoleucine.
Molecular consequence: missense variant.
Genome position (GRCh38, 1-based): chr10:72,005,942, G>A. VCF-style: chr10-72005942-G-A. GRCh37 (hg19) VCF-style: chr10-73765700-G-A.
Other names: short protein forms V34I.
Identifiers: ClinVar variation 2189372 (VCV002189372.4), dbSNP rs752248101, ClinGen allele CA5548001.
Genomic context (GRCh38, chr10:72,005,942, plus strand): 5'-TTTGTGCACAGCCTGAAGATGAGAAGCAAATACGCCCTTTTCTTGGTTTTTGTGGTGATA[G>A]TTTTTGTCTTCATCGAAAAGGAAAATAAAATCATATCAAGGTGAGGGTTGCAAGCCCAAG-3'
Protein context (NP_004264.2, residues 24-44): YALFLVFVVI[Val34Ile]FVFIEKENKI